The following is an entry in ClinVar:

NM_001267550.2(TTN):c.58491G>A (p.Met19497Ile)

Genes: TTN (titin; minus strand), TTN-AS1 (TTN antisense RNA 1; plus strand). Cytogenetic location: 2q31.2.
Variant type: single nucleotide variant.
Coding change: c.58491G>A on transcript NM_001267550.2 (MANE Select); coding-DNA position 58491, G replaced by A.
Protein change: p.Met19497Ile; replaces methionine 19497 with isoleucine.
Molecular consequence: missense variant.
Genome position (GRCh38, 1-based): chr2:178,593,809, C>T on the plus strand (G>A on the coding strand, the complement: TTN is on the minus strand). VCF-style: chr2-178593809-C-T. GRCh37 (hg19) VCF-style: chr2-179458536-C-T.
Other names: c.53568G>A, p.Met17856Ile (NM_001256850.1); c.31296G>A, p.Met10432Ile (NM_003319.4); c.50787G>A, p.Met16929Ile (NM_133378.4); c.31671G>A, p.Met10557Ile (NM_133432.3); c.31872G>A, p.Met10624Ile (NM_133437.4); short protein forms M10432I, M10557I, M10624I, M16929I, M17856I, M19497I.
Identifiers: ClinVar variation 2632079 (VCV002632079.3), dbSNP rs752006805, ClinGen allele CA60971594.

ClinVar aggregate classification (germline): Uncertain significance. Review status: criteria provided, multiple submitters, no conflicts (2 of 4 stars). 2 submissions from 2 submitters: Uncertain significance (2). Last evaluated 2023-05-16.

Conditions:
TTN-related disorder. Also called: TTN-related condition; TTN-related disease; TTN-related disorders.

Allele frequency attached by ClinVar (database versions not stated): gnomAD exomes 0.00002.

Submissions (2):

PreventionGenetics, part of Exact Sciences
Classification: Uncertain significance for TTN-related condition. Last evaluated: 2023-05-16. Review status: criteria provided, single submitter. Criteria: ACMG Guidelines, 2015. Collection method: clinical testing. Allele origin: germline.
Comment: The TTN c.58491G>A variant is predicted to result in the amino acid substitution p.Met19497Ile. To our knowledge, this variant has not been reported in the literature. This variant is reported in 0.0065% of alleles in individuals of European (Non-Finnish) descent in gnomAD. At this time, the clinical significance of this variant is uncertain due to the absence of conclusive functional and genetic evidence.

Revvity Omics, Revvity
Classification: Uncertain significance. Last evaluated: 2023-03-16. Review status: criteria provided, single submitter. Criteria: ACMG Guidelines, 2015. Collection method: clinical testing. Allele origin: germline.